The following is an entry in ClinVar:

NM_005173.4(ATP2A3):c.993C>T (p.Ala331=)

Gene: ATP2A3 (ATPase sarcoplasmic/endoplasmic reticulum Ca2+ transporting 3; minus strand). Cytogenetic location: 17p13.2.
Variant type: single nucleotide variant.
Coding change: c.993C>T on transcript NM_005173.4 (MANE Select); coding-DNA position 993, C replaced by T.
Protein change: p.Ala331=; no amino-acid change (alanine 331 retained).
Molecular consequence: synonymous variant.
Genome position (GRCh38, 1-based): chr17:3,947,493, G>A on the plus strand (C>T on the coding strand, the complement: ATP2A3 is on the minus strand). VCF-style: chr17-3947493-G-A. GRCh37 (hg19) VCF-style: chr17-3850787-G-A.
Other names: c.993C>T, p.Ala331= (NM_174953.3, NM_174954.3, NM_174955.3 and 3 more transcripts).
Identifiers: ClinVar variation 3050132 (VCV003050132.2), dbSNP rs183496663, ClinGen allele CA8297347.

ClinVar aggregate classification (germline): Likely benign (0 of 4 stars; one submission).

Conditions:
ATP2A3-related disorder. Also called: ATP2A3-related condition.

Allele frequency attached by ClinVar (database versions not stated): gnomAD exomes 0.00010; gnomAD 0.00021; TOPMed 0.00023; ExAC 0.00029; 1000 Genomes Project 0.00160; 1000 Genomes Project 30x 0.00187.
gnomAD v4.1: 190 of 1,613,658 alleles (0.012%); highest among the groups gnomAD compares: East Asian, 0.21%; 1 homozygote.

Submission:

PreventionGenetics, part of Exact Sciences
Classification: Likely benign for ATP2A3-related condition. Last evaluated: 2019-07-12. Review status: no assertion criteria provided. Collection method: clinical testing. Allele origin: germline.
Comment: This variant is classified as likely benign based on ACMG/AMP sequence variant interpretation guidelines (Richards et al. 2015 PMID: 25741868, with internal and published modifications).